The following is an entry in ClinVar:

NM_001273.5(CHD4):c.3283C>T (p.Arg1095Cys)

Gene: CHD4 (chromodomain helicase DNA binding protein 4; minus strand). Cytogenetic location: 12p13.31.
Variant type: single nucleotide variant.
Coding change: c.3283C>T on transcript NM_001273.5 (MANE Select); coding-DNA position 3283, C replaced by T.
Protein change: p.Arg1095Cys; replaces arginine 1095 with cysteine.
Molecular consequence: missense variant.
Genome position (GRCh38, 1-based): chr12:6,591,523, G>A on the plus strand (C>T on the coding strand, the complement: CHD4 is on the minus strand). VCF-style: chr12-6591523-G-A. GRCh37 (hg19) VCF-style: chr12-6700689-G-A.
Other names: c.3262C>T, p.Arg1088Cys (NM_001297553.2); c.3244C>T, p.Arg1082Cys (NM_001363606.2); short protein forms R1082C, R1095C, R1088C.
Identifiers: ClinVar variation 917712 (VCV000917712.2), dbSNP rs1948400672, ClinGen allele CA383585066.

ClinVar aggregate classification (germline): Uncertain significance. Review status: criteria provided, multiple submitters, no conflicts (2 of 4 stars). 2 submissions from 2 submitters: Uncertain significance (2). Last evaluated 2022-01-07.

Submissions (2):

Blueprint Genetics
Classification: Uncertain significance. Last evaluated: 2022-01-07. Review status: criteria provided, single submitter. Criteria: ACMG Guidelines, 2015. Collection method: clinical testing. Allele origin: germline.

Women's Health and Genetics/Laboratory Corporation of America, LabCorp
Classification: Uncertain significance. Last evaluated: 2020-02-18. Review status: criteria provided, single submitter. Criteria: LabCorp Variant Classification Summary - May 2015. Collection method: clinical testing. Allele origin: germline.
Comment: Variant summary: CHD4 c.3283C>T (p.Arg1095Cys) results in a non-conservative amino acid change located in the helicase, C-terminal domain (IPR001650) of the encoded protein sequence. Five of five in-silico tools predict a damaging effect of the variant on protein function. The variant was absent in 251474 control chromosomes (gnomAD). The available data on variant occurrences in the general population are insufficient to allow any conclusion about variant significance. To our knowledge, no occurrence of c.3283C>T in individuals affected with Sifrim-Hitz-Weiss syndrome and no experimental evidence demonstrating an impact on protein function have been reported. No clinical diagnostic laboratories have submitted clinical-significance assessments for this variant to ClinVar after 2014. Based on the evidence outlined above, the variant was classified as uncertain significance.